The following is an entry in ClinVar:

ClinVar aggregate classification (germline): Uncertain significance (1 of 4 stars; one submission).

gnomAD v4.1: 2 of 1,612,220 alleles (0.00012%); highest among the groups gnomAD compares: Non-Finnish European, 0.00017%; no homozygotes.

Submission:

Dasa
Classification: Uncertain significance. Last evaluated: 2025-04-23. Review status: criteria provided, single submitter. Criteria: DASA Assertion Criteria. Collection method: clinical testing. Allele origin: germline.
Comment: NM_001290253.2(DPP6):c.785C>A (p.Ser262*) is a nonsense variant in DPP6 predicted to introduce a premature termination codon. This variant is rare in population databases. The currently available literature and clinical evidence are not sufficient to establish a definitive association between this variant and the reported condition. Therefore, this variant is classified as a variant of uncertain significance.

NM_130797.4(DPP6):c.627+20891C>A

Gene: DPP6 (dipeptidyl peptidase like 6; plus strand). Cytogenetic location: 7q36.2.
Variant type: single nucleotide variant.
Coding change: c.627+20891C>A on transcript NM_130797.4 (MANE Select); 20891 bases into the intron after coding-DNA position 627, C replaced by A.
Molecular consequence: intron variant. On other transcripts: nonsense (1), 3 prime UTR variant (1).
Genome position (GRCh38, 1-based): chr7:154,587,807, C>A. VCF-style: chr7-154587807-C-A. GRCh37 (hg19) VCF-style: chr7-154379517-C-A.
Other names: c.785C>A, p.Ser262Ter (NM_001290253.2); c.*633C>A (NM_001364502.2); c.444+20891C>A (NM_001364500.2, NM_001364499.2, NM_001364497.2 and 1 more transcripts); c.435+20891C>A (NM_001364501.2, NM_001039350.3); c.441+20891C>A (NM_001936.5, NM_001290252.2); short protein forms S262*.
Identifiers: ClinVar variation 4881269 (VCV004881269.2).